The following is an entry in ClinVar:

ClinVar aggregate classification (germline): Uncertain significance. Review status: criteria provided, multiple submitters, no conflicts (2 of 4 stars). 2 submissions from 2 submitters: Uncertain significance (2). Last evaluated 2022-11-13.

gnomAD v4.1: 11 of 1,611,974 alleles (0.00068%); highest among the groups gnomAD compares: Non-Finnish European, 0.00093%; no homozygotes.

Submissions (2):

Labcorp Genetics (formerly Invitae), Labcorp
Classification: Uncertain significance. Last evaluated: 2022-11-13. Review status: criteria provided, single submitter. Criteria: Invitae Variant Classification Sherloc (09022015). Collection method: clinical testing. Allele origin: germline.
Comment: In summary, the available evidence is currently insufficient to determine the role of this variant in disease. Therefore, it has been classified as a Variant of Uncertain Significance. This sequence change replaces glutamic acid, which is acidic and polar, with lysine, which is basic and polar, at codon 103 of the ZNF513 protein (p.Glu103Lys). This variant is present in population databases (no rsID available, gnomAD 0.002%). This variant has not been reported in the literature in individuals affected with ZNF513-related conditions. Algorithms developed to predict the effect of missense changes on protein structure and function are either unavailable or do not agree on the potential impact of this missense change (SIFT: "Deleterious"; PolyPhen-2: "Benign"; Align-GVGD: "Class C55").

Blueprint Genetics
Classification: Uncertain significance. Last evaluated: 2022-08-26. Review status: criteria provided, single submitter. Criteria: ACMG Guidelines, 2015. Collection method: clinical testing. Allele origin: germline.

NM_144631.6(ZNF513):c.307G>A (p.Glu103Lys)

Gene: ZNF513 (zinc finger protein 513; minus strand). Cytogenetic location: 2p23.3.
Variant type: single nucleotide variant.
Coding change: c.307G>A on transcript NM_144631.6 (MANE Select); coding-DNA position 307, G replaced by A.
Protein change: p.Glu103Lys; replaces glutamic acid 103 with lysine.
Molecular consequence: missense variant.
Genome position (GRCh38, 1-based): chr2:27,378,959, C>T on the plus strand (G>A on the coding strand, the complement: ZNF513 is on the minus strand). VCF-style: chr2-27378959-C-T. GRCh37 (hg19) VCF-style: chr2-27601826-C-T.
Other names: c.121G>A, p.Glu41Lys (NM_001201459.2); short protein forms E41K, E103K.
Identifiers: ClinVar variation 2795460 (VCV002795460.4), dbSNP rs1313666175, ClinGen allele CA346218637.
Genomic context (GRCh38, chr2:27,378,959, plus strand): 5'-ACAGCTGGCAGGCTGGGCCTGGCCTCTCACCCCTGGCCTCCCCTGGACCCCTGGCTGGCT[C>T]CTCAACTTCACTCTCCGCACTTAGTGCCCGGCCGCCCCCAGACTCATCGTCGCTCAGCCC-3'
Protein context (NP_653232.3, residues 93-113): RALSAESEVE[Glu103Lys]PARGPGEARG